The following is an entry in ClinVar:

ClinVar aggregate classification (germline): Uncertain significance (1 of 4 stars; one submission).

Conditions:
Facioscapulohumeral muscular dystrophy 2 (FSHD2). Also called: FACIOSCAPULOHUMERAL MUSCULAR DYSTROPHY 2, DIGENIC; FSHD2, DIGENIC; MUSCULAR DYSTROPHY, FACIOSCAPULOHUMERAL, TYPE 1B. Identifiers: Orphanet 269, MedGen C1834671, MONDO:0008031, OMIM 158901.

Allele frequency attached by ClinVar (database versions not stated): gnomAD exomes below 0.00001.
gnomAD v4.1: 1 of 1,612,090 alleles (0.000062%); highest among the groups gnomAD compares: Non-Finnish European, 0.000085%; no homozygotes.

Submission:

Labcorp Genetics (formerly Invitae), Labcorp
Classification: Uncertain significance for Facioscapulohumeral muscular dystrophy 2. Last evaluated: 2024-11-18. Review status: criteria provided, single submitter. Criteria: Invitae Variant Classification Sherloc (09022015). Collection method: clinical testing. Allele origin: germline.
Comment: This sequence change replaces serine, which is neutral and polar, with proline, which is neutral and non-polar, at codon 1192 of the SMCHD1 protein (p.Ser1192Pro). This variant is not present in population databases (gnomAD no frequency). This variant has not been reported in the literature in individuals affected with SMCHD1-related conditions. ClinVar contains an entry for this variant (Variation ID: 2058701). Invitae Evidence Modeling of protein sequence and biophysical properties (such as structural, functional, and spatial information, amino acid conservation, physicochemical variation, residue mobility, and thermodynamic stability) indicates that this missense variant is not expected to disrupt SMCHD1 protein function with a negative predictive value of 80%. In summary, the available evidence is currently insufficient to determine the role of this variant in disease. Therefore, it has been classified as a Variant of Uncertain Significance.

NM_015295.3(SMCHD1):c.3574T>C (p.Ser1192Pro)

Gene: SMCHD1 (structural maintenance of chromosomes flexible hinge domain containing 1; plus strand). Cytogenetic location: 18p11.32.
Variant type: single nucleotide variant.
Coding change: c.3574T>C on transcript NM_015295.3 (MANE Select); coding-DNA position 3574, T replaced by C.
Protein change: p.Ser1192Pro; replaces serine 1192 with proline.
Molecular consequence: missense variant.
Genome position (GRCh38, 1-based): chr18:2,740,762, T>C. VCF-style: chr18-2740762-T-C. GRCh37 (hg19) VCF-style: chr18-2740760-T-C.
Other names: short protein forms S1192P.
Identifiers: ClinVar variation 2058701 (VCV002058701.4), dbSNP rs912606817, ClinGen allele CA295477130.